The following is an entry in ClinVar:

NM_001128164.2(ATXN1):c.772G>T (p.Gly258Cys)

Gene: ATXN1 (ataxin 1; minus strand). Cytogenetic location: 6p22.3.
Variant type: single nucleotide variant.
Coding change: c.772G>T on transcript NM_001128164.2 (MANE Select); coding-DNA position 772, G replaced by T.
Protein change: p.Gly258Cys; replaces glycine 258 with cysteine.
Molecular consequence: missense variant. On other transcripts: 3 prime UTR variant (1).
Genome position (GRCh38, 1-based): chr6:16,327,539, C>A on the plus strand (G>T on the coding strand, the complement: ATXN1 is on the minus strand). VCF-style: chr6-16327539-C-A. GRCh37 (hg19) VCF-style: chr6-16327770-C-A.
Other names: c.772G>T, p.Gly258Cys (NM_000332.4); c.*185G>T (NM_001357857.2); short protein forms G258C.
Identifiers: ClinVar variation 1678655 (VCV001678655.31), dbSNP rs144962740, ClinGen allele CA3645491.
Genomic context (GRCh38, chr6:16,327,539, plus strand): 5'-GGATCATCGTCTGGTGGGGGTGGAGGTGGACGGGGATGGCCGGAGGAGAGGCGGTGCGGC[C>A]GGTGTTCTGCGGAGAACTGGAAATGTGGACGTACTGGTTCTGCTGGGCTGGTGGGGGGGA-3'
Protein context (NP_001121636.1, residues 248-268): VHISSSPQNT[Gly258Cys]RTASPPAIPV

ClinVar aggregate classification (germline): Conflicting classifications of pathogenicity. Review status: criteria provided, conflicting classifications (1 of 4 stars). 5 submissions from 5 submitters: Uncertain significance (1); Benign (2); Likely benign (1). 1 of the submissions does not count toward it. Last evaluated 2026-04-01.

Conditions:
Tip-toe gait. Also called: Toe walking. Identifiers: MedGen C0427144, HP:0030051.
Spinocerebellar ataxia type 1 (SCA1). Also called: MENZEL TYPE OPCA; SCHUT-HAYMAKER TYPE OPCA; SPINOCEREBELLAR ATROPHY I; CEREBELLOPARENCHYMAL DISORDER I; OLIVOPONTOCEREBELLAR ATROPHY I; OLIVOPONTOCEREBELLAR ATROPHY IV. Identifiers: Orphanet 98755, MedGen C0752120, MONDO:0008119, OMIM 164400.

Allele frequency attached by ClinVar (database versions not stated): 1000 Genomes Project 30x 0.00141; 1000 Genomes Project 0.00180; ESP Exome Variant Server 0.00192; ExAC 0.00195.
gnomAD v4.1: 4,458 of 1,608,338 alleles (0.28%); highest among the groups gnomAD compares: Non-Finnish European, 0.34%; 15 homozygotes.

Submissions (5):

CeGaT Center for Human Genetics Tuebingen
Classification: Benign. Last evaluated: 2026-04-01. Review status: criteria provided, single submitter. Criteria: CeGaT Center For Human Genetics Tuebingen Variant Classification Criteria Version 2. Collection method: clinical testing. Allele origin: germline. Affected: yes. Observed: 3 variant alleles.
Comment: ATXN1: BS1, BS2

Blueprint Genetics
Classification: Likely benign. Last evaluated: 2024-11-21. Review status: criteria provided, single submitter. Criteria: ACMG Guidelines, 2015. Collection method: clinical testing. Allele origin: germline.

Mendelics
Classification: Benign for Spinocerebellar ataxia type 1. Last evaluated: 2024-01-23. Review status: criteria provided, single submitter. Criteria: ACMG Guidelines, 2015. Collection method: clinical testing. Allele origin: unknown.

Department of Pathology and Laboratory Medicine, Sinai Health System
Classification: Uncertain significance for Spinocerebellar ataxia type 1. Last evaluated: 2023-04-24. Review status: criteria provided, single submitter. Criteria: ACMG Guidelines, 2015. Collection method: research. Allele origin: germline.

Practice for Gait Abnormalities, David Pomarino, Competency Network Toe Walking C/o Practice Pomarino
Classification: Likely pathogenic for Tip-toe gait. Review status: no assertion criteria provided. Collection method: clinical testing. Allele origin: germline. Affected: yes. Not counted in ClinVar's aggregate classification.
Comment: Gait disorder

Literature cited by the submitters: PubMed 37091313 (cited by Practice for Gait Abnormalities, David Pomarino, Competency Network Toe Walking C/o Practice Pomarino).